The following is an entry in ClinVar:

ClinVar aggregate classification (germline): Pathogenic (1 of 4 stars; one submission).

Conditions:
Ehlers-Danlos syndrome, classic type, 1 (EDSCL1). Also called: EHLERS-DANLOS SYNDROME, GRAVIS TYPE; EHLERS-DANLOS SYNDROME, SEVERE CLASSIC TYPE; Ehlers-Danlos syndrome, type 1; Ehlers-Danlos Syndrome, Classic Type, COL5A1-Related; EDS I. Identifiers: MedGen C0268335, MONDO:0019567, OMIM 130000.

Submission:

Labcorp Genetics (formerly Invitae), Labcorp
Classification: Pathogenic for Ehlers-Danlos syndrome, classic type, 1. Last evaluated: 2024-11-11. Review status: criteria provided, single submitter. Criteria: Invitae Variant Classification Sherloc (09022015). Collection method: clinical testing. Allele origin: germline.
Comment: This sequence change creates a premature translational stop signal (p.Tyr75*) in the COL5A1 gene. It is expected to result in an absent or disrupted protein product. Loss-of-function variants in COL5A1 are known to be pathogenic (PMID: 23587214). This variant is not present in population databases (gnomAD no frequency). This variant has not been reported in the literature in individuals affected with COL5A1-related conditions. ClinVar contains an entry for this variant (Variation ID: 2823926). For these reasons, this variant has been classified as Pathogenic.

Literature cited by the submitters: PubMed 23587214.

NM_000093.5(COL5A1):c.225_226del (p.Tyr75_Arg76delinsTer)

Gene: COL5A1 (collagen type V alpha 1 chain; plus strand). Cytogenetic location: 9q34.3.
Variant type: Deletion.
Coding change: c.225_226del on transcript NM_000093.5 (MANE Select); coding-DNA positions 225 to 226, 2 bases deleted (CA; older notation c.225_226delCA).
Protein change: p.Tyr75_Arg76delinsTer.
Molecular consequence: nonsense.
Genome position (GRCh38, 1-based): chr9:134,691,027-134,691,028, CA deleted; deleting any 2 consecutive bases within chr9:134,691,026-134,691,028 gives the same sequence; the c. name uses the placement nearest the transcript's 3' end. VCF-style (leftmost placement, unchanged base first): chr9-134691025-TAC-T. GRCh37 (hg19) VCF-style: chr9-137582871-TAC-T.
Other names: c.225_226del, p.Tyr75_Arg76delinsTer (NM_001278074.1).
Identifiers: ClinVar variation 2823926 (VCV002823926.3), dbSNP rs2491240183, ClinGen allele CA2739265196.